The following is an entry in ClinVar:

NM_003640.5(ELP1):c.983A>C (p.Tyr328Ser)

Gene: ELP1 (elongator acetyltransferase complex subunit 1; minus strand). Cytogenetic location: 9q31.3.
Variant type: single nucleotide variant.
Coding change: c.983A>C on transcript NM_003640.5 (MANE Select); coding-DNA position 983, A replaced by C.
Protein change: p.Tyr328Ser; replaces tyrosine 328 with serine.
Molecular consequence: missense variant. On other transcripts: 5 prime UTR variant (1).
Genome position (GRCh38, 1-based): chr9:108,912,470, T>G on the plus strand (A>C on the coding strand, the complement: ELP1 is on the minus strand). VCF-style: chr9-108912470-T-G. GRCh37 (hg19) VCF-style: chr9-111674750-T-G.
Other names: c.641A>C, p.Tyr214Ser (NM_001318360.2); c.-65A>C (NM_001330749.2); short protein forms Y328S, Y214S.
Identifiers: ClinVar variation 1380659 (VCV001380659.7), dbSNP rs750663365, ClinGen allele CA374429667.

ClinVar aggregate classification (germline): Uncertain significance. Review status: criteria provided, multiple submitters, no conflicts (2 of 4 stars). 2 submissions from 2 submitters: Uncertain significance (2). Last evaluated 2022-04-01.

Conditions:
Familial dysautonomia. Also called: FD; HSAN III. Identifiers: Orphanet 1764, MedGen C0013364, MONDO:0009131, OMIM 223900. Disease mechanism: loss of function.
Medulloblastoma (MDB). Also called: MEDULLOBLASTOMA PREDISPOSITION SYNDROME; Medulloblastoma, somatic. Identifiers: Orphanet 616, MedGen C0025149, MeSH D008527, MONDO:0007959, OMIM 155255, HP:0002885.

gnomAD v4.1: 1 of 1,613,768 alleles (0.000062%); highest among the groups gnomAD compares: Admixed American, 0.0017%; no homozygotes.

Submissions (2):

Fulgent Genetics
Classification: Uncertain significance for Medulloblastoma; Familial dysautonomia. Last evaluated: 2022-04-01. Review status: criteria provided, single submitter. Criteria: ACMG Guidelines, 2015. Collection method: clinical testing. Allele origin: unknown.

Labcorp Genetics (formerly Invitae), Labcorp
Classification: Uncertain significance. Last evaluated: 2021-11-07. Review status: criteria provided, single submitter. Criteria: Invitae Variant Classification Sherloc (09022015). Collection method: clinical testing. Allele origin: germline.
Comment: In summary, the available evidence is currently insufficient to determine the role of this variant in disease. Therefore, it has been classified as a Variant of Uncertain Significance. Algorithms developed to predict the effect of missense changes on protein structure and function are either unavailable or do not agree on the potential impact of this missense change (SIFT: "Deleterious"; PolyPhen-2: "Probably Damaging"; Align-GVGD: "Class C0"). This variant has not been reported in the literature in individuals affected with ELP1-related conditions. This variant is present in population databases (no rsID available, gnomAD 0.1%). This sequence change replaces tyrosine, which is neutral and polar, with serine, which is neutral and polar, at codon 328 of the ELP1 protein (p.Tyr328Ser).